The following is an entry in ClinVar:

ClinVar aggregate classification (germline): Pathogenic/Likely pathogenic. Review status: criteria provided, multiple submitters, no conflicts (2 of 4 stars). 2 submissions from 2 submitters: Pathogenic (1); Likely pathogenic (1). Last evaluated 2025-10-09.

Conditions:
Hereditary spastic paraplegia 7 (SPG7). Also called: Autosomal recessive spastic paraplegia type 7; SPASTIC PARAPLEGIA 7, AUTOSOMAL RECESSIVE, WITH OR WITHOUT CEREBELLAR ATAXIA; Spastic paraplegia 7; Hereditary spastic paraplegia Paraplegin type; SPG7-related neurologic disorder. Identifiers: Orphanet 99013, MedGen C1846564, MONDO:0011803, OMIM 607259.

gnomAD v4.1: 4 of 1,614,174 alleles (0.00025%); highest among the groups gnomAD compares: Non-Finnish European, 0.00034%; no homozygotes.

Submissions (2):

Labcorp Genetics (formerly Invitae), Labcorp
Classification: Pathogenic for Hereditary spastic paraplegia 7. Last evaluated: 2025-10-09. Review status: criteria provided, single submitter. Criteria: Invitae Variant Classification Sherloc (09022015). Collection method: clinical testing. Allele origin: germline.
Comment: This sequence change creates a premature translational stop signal (p.Glu320*) in the SPG7 gene. It is expected to result in an absent or disrupted protein product. Loss-of-function variants in SPG7 are known to be pathogenic (PMID: 21623769, 22964162). This variant is present in population databases (rs768467902, gnomAD 0.0009%). This premature translational stop signal has been observed in individual(s) with autosomal recessive progressive spastic paraparesis (internal data). ClinVar contains an entry for this variant (Variation ID: 3242476). Algorithms developed to predict the effect of sequence changes on RNA splicing suggest that this variant may disrupt the consensus splice site. For these reasons, this variant has been classified as Pathogenic.

PROSPAX: an integrated multimodal progression  chart in spastic ataxias, Center for Neurology; Hertie-Institute for Clinical Brain Research
Classification: Likely pathogenic for Hereditary spastic paraplegia 7. Last evaluated: 2022-01-01. Review status: criteria provided, single submitter. Criteria: ACMG Guidelines, 2015. Collection method: research. Allele origin: germline. Affected: yes.
Comment: Variant seen in compound het: [c.958G>T;c.1053dup]

Literature cited by the submitters: PubMed 21623769 (cited by Labcorp Genetics (formerly Invitae), Labcorp); PubMed 22964162 (cited by Labcorp Genetics (formerly Invitae), Labcorp).

NM_003119.4(SPG7):c.958G>T (p.Glu320Ter)

Gene: SPG7 (SPG7 matrix AAA peptidase subunit, paraplegin; plus strand). Cytogenetic location: 16q24.3.
Variant type: single nucleotide variant.
Coding change: c.958G>T on transcript NM_003119.4 (MANE Select); coding-DNA position 958, G replaced by T.
Protein change: p.Glu320Ter; replaces glutamic acid 320 with a stop codon.
Molecular consequence: nonsense.
Genome position (GRCh38, 1-based): chr16:89,530,779, G>T. VCF-style: chr16-89530779-G-T. GRCh37 (hg19) VCF-style: chr16-89597187-G-T.
Other names: c.958G>T, p.Glu320Ter (NM_001363850.1, NM_199367.3); short protein forms E320*.
Identifiers: ClinVar variation 3242476 (VCV003242476.3).